The following is an entry in ClinVar:

ClinVar aggregate classification (germline): Uncertain significance (1 of 4 stars; one submission).

Submission:

Ambry Genetics
Classification: Uncertain significance. Last evaluated: 2023-09-14. Review status: criteria provided, single submitter. Criteria: Ambry Variant Classification Scheme 2023. Collection method: clinical testing. Allele origin: germline.
Comment: The p.I99M variant (also known as c.297T>G), located in coding exon 4 of the RINT1 gene, results from a T to G substitution at nucleotide position 297. The isoleucine at codon 99 is replaced by methionine, an amino acid with highly similar properties. This amino acid position is conserved. In addition, this alteration is predicted to be tolerated by in silico analysis. Since supporting evidence is limited at this time, the clinical significance of this alteration remains unclear.

NM_021930.6(RINT1):c.297T>G (p.Ile99Met)

Gene: RINT1 (RAD50 interactor 1; plus strand). Cytogenetic location: 7q22.3.
Variant type: single nucleotide variant.
Coding change: c.297T>G on transcript NM_021930.6 (MANE Select); coding-DNA position 297, T replaced by G.
Protein change: p.Ile99Met; replaces isoleucine 99 with methionine.
Molecular consequence: missense variant. On other transcripts: 5 prime UTR variant (3), non-coding transcript variant (1).
Genome position (GRCh38, 1-based): chr7:105,542,431, T>G. VCF-style: chr7-105542431-T-G. GRCh37 (hg19) VCF-style: chr7-105182878-T-G.
Other names: c.63T>G, p.Ile21Met (NM_001346599.2); c.-723T>G (NM_001346600.2); c.-626T>G (NM_001346601.2); c.-246T>G (NM_001346603.2); short protein forms I21M, I99M.
Identifiers: ClinVar variation 2624775 (VCV002624775.2), dbSNP rs2485112318, ClinGen allele CA368802844.
Genomic context (GRCh38, chr7:105,542,431, plus strand): 5'-TGTTCTTTCTTTCTTTCTTTTTTAAAATTATGGTCAGGTACTTACAATTTCATCAGAAAT[T>G]CCTAAAAGAATTCGAAGTGCCTTAAAAAATGCAGAAGAATCAAAGCAATTTCTTAATCAG-3'
Protein context (NP_068749.3, residues 89-109): EEQVLTISSE[Ile99Met]PKRIRSALKN